The following is an entry in ClinVar:

ClinVar aggregate classification (germline): Pathogenic (0 of 4 stars; one submission).

Conditions:
Polycystic kidney disease. Also called: Polycystic kidney dysplasia; Kidney, Polycystic. Identifiers: MedGen C0022680, MeSH D007690, MONDO:0020642, HP:0000113.

Submission:

Department of Pathology and Laboratory Medicine, Sinai Health System
Classification: Pathogenic for Polycystic Kidney disease. Review status: no assertion criteria provided. Collection method: clinical testing. Allele origin: unknown. Affected: yes. Observed: 1 variant allele. Study: The Canadian Open Genetics Repository (COGR).
Comment: The PKD1 p.Leu2584SerfsX36 variant was identified in 1 of 1400 proband chromosomes (frequency: 0.0007) from individuals or families with ADPKD (Audrezet 2012). A similar variant (c.7750del/p.Pro2577GlnfsX15) was identified in ADPKD Mutation Database (classified definitely pathogenic). The variant was not identified in dbSNP, ClinVar, Clinvitae, PKD1-LOVD, LOVD 3.0, the 1000 Genomes Project, the NHLBI GO Exome Sequencing Project, the Exome Aggregation Consortium (August 8th 2016), or the Genome Aggregation Database (Feb 27, 2017). The c.7749delC variant is predicted to cause a frameshift, which alters the protein amino acid sequence beginning at codon 2584 and leads to a premature stop codon 36 codons downstream. This alteration is then predicted to result in a truncated or absent protein and loss of function. Loss of function variants of the PKD1 gene are an established mechanism of disease in autosomal dominant polycystic kidney disease and is the type of variant expected to cause the disorder. In summary, based on the above information this variant meets our laboratoryâ€šÃ„Ã´s criteria to be classified as pathogenic.

NM_001009944.3(PKD1):c.7749del (p.Leu2584fs)

Gene: PKD1 (polycystin 1, transient receptor potential channel interacting; minus strand). Cytogenetic location: 16p13.3.
Variant type: Deletion.
Coding change: c.7749del on transcript NM_001009944.3 (MANE Select); coding-DNA position 7749, one base deleted (G; older notation c.7749delG).
Protein change: p.Leu2584fs; shifts the reading frame from leucine 2584.
Molecular consequence: frameshift variant.
Genome position (GRCh38, 1-based): chr16:2,105,979, C deleted on the plus strand (G on the coding strand, the reverse complement: PKD1 is on the minus strand); the first of 4 consecutive C bases (chr16:2,105,979-2,105,982); deleting any one gives the same sequence. VCF-style (leftmost placement, unchanged base first): chr16-2105978-GC-G. GRCh37 (hg19) VCF-style: chr16-2155979-GC-G.
Other names: c.7749del, p.Leu2584fs (NM_000296.4); short protein forms L2584fs.
Identifiers: ClinVar variation 997367 (VCV000997367.1), dbSNP rs2092323231, ClinGen allele CA2202032580.